The following is an entry in ClinVar:

NM_004928.3(CFAP410):c.140T>C (p.Leu47Pro)

Gene: CFAP410 (cilia and flagella associated protein 410; minus strand). Cytogenetic location: 21q22.3.
Variant type: single nucleotide variant.
Coding change: c.140T>C on transcript NM_004928.3 (MANE Select); coding-DNA position 140, T replaced by C.
Protein change: p.Leu47Pro; replaces leucine 47 with proline.
Molecular consequence: missense variant.
Genome position (GRCh38, 1-based): chr21:44,335,761, A>G on the plus strand (T>C on the coding strand, the complement: CFAP410 is on the minus strand). VCF-style: chr21-44335761-A-G. GRCh37 (hg19) VCF-style: chr21-45755644-A-G.
Other names: c.140T>C, p.Leu47Pro (NM_001271440.2, NM_001271441.2); c.26T>C, p.Leu9Pro (NM_001271442.1); short protein forms L47P, L9P.
Identifiers: ClinVar variation 2628053 (VCV002628053.2), dbSNP rs1602086030, ClinGen allele CA410458726.

ClinVar aggregate classification (germline): Uncertain significance (1 of 4 stars; one submission).

Conditions:
Cone-rod dystrophy. Also called: Cone/cone-rod dystrophy; Cone-rod degeneration. Identifiers: Orphanet 1872, MedGen C4085590, MONDO:0015993, HP:0000548.

Submission:

DBGen Ocular Genomics
Classification: Uncertain significance for Cone-rod dystrophy. Last evaluated: 2023-01-01. Review status: criteria provided, single submitter. Criteria: ACMG Guidelines, 2015. Collection method: clinical testing. Allele origin: unknown. Inheritance: Autosomal recessive inheritance. Affected: yes.
Comment: Class 3 ACMG Guidelines, 2015